The following is an entry in ClinVar:

ClinVar aggregate classification (germline): Conflicting classifications of pathogenicity. Review status: criteria provided, conflicting classifications (1 of 4 stars). 2 submissions from 2 submitters: Likely pathogenic (1); Uncertain significance (1). Last evaluated 2025-05-04.

Submissions (2):

Labcorp Genetics (formerly Invitae), Labcorp
Classification: Uncertain significance. Last evaluated: 2025-05-04. Review status: criteria provided, single submitter. Criteria: Invitae Variant Classification Sherloc (09022015). Collection method: clinical testing. Allele origin: germline.
Comment: This sequence change replaces tyrosine, which is neutral and polar, with histidine, which is basic and polar, at codon 105 of the CDH2 protein (p.Tyr105His). This variant is not present in population databases (gnomAD no frequency). This missense change has been observed in individual(s) with clinical features of CDH2-related conditions (PMID: 31785789, 33057194). An algorithm developed to predict the effect of missense changes on protein structure and function (PolyPhen-2) suggests that this variant is likely to be disruptive. In summary, the available evidence is currently insufficient to determine the role of this variant in disease. Therefore, it has been classified as a Variant of Uncertain Significance.

GeneDx
Classification: Likely pathogenic. Last evaluated: 2024-11-03. Review status: criteria provided, single submitter. Criteria: GeneDx Variant Classification Process June 2021. Collection method: clinical testing. Allele origin: germline. Affected: yes.
Comment: Not observed at significant frequency in large population cohorts (gnomAD); In silico analysis supports that this missense variant has a deleterious effect on protein structure/function; This variant is associated with the following publications: (PMID: 31785789, 35982159, 33057194)

Literature cited by the submitters: PubMed 31785789 (cited by Labcorp Genetics (formerly Invitae), Labcorp); PubMed 33057194 (cited by Labcorp Genetics (formerly Invitae), Labcorp).

NM_001792.5(CDH2):c.313T>C (p.Tyr105His)

Gene: CDH2 (cadherin 2; minus strand). Cytogenetic location: 18q12.1.
Variant type: single nucleotide variant.
Coding change: c.313T>C on transcript NM_001792.5 (MANE Select); coding-DNA position 313, T replaced by C.
Protein change: p.Tyr105His; replaces tyrosine 105 with histidine.
Molecular consequence: missense variant.
Genome position (GRCh38, 1-based): chr18:28,013,769, A>G on the plus strand (T>C on the coding strand, the complement: CDH2 is on the minus strand). VCF-style: chr18-28013769-A-G. GRCh37 (hg19) VCF-style: chr18-25593733-A-G.
Other names: c.220T>C, p.Tyr74His (NM_001308176.2); short protein forms Y105H, Y74H.
Identifiers: ClinVar variation 3898874 (VCV003898874.2).